The following is an entry in ClinVar:

ClinVar aggregate classification (germline): Likely benign. Review status: criteria provided, single submitter (1 of 4 stars). 2 submissions from 2 submitters: Likely benign (1). 1 of the submissions does not count toward it. Last evaluated 2025-10-23.

Conditions:
TFG-related disorder. Also called: TFG-related condition; TFG-related disorders.
Hereditary motor and sensory neuropathy, Okinawa type (HMSNO). Also called: HEREDITARY MOTOR AND SENSORY NEUROPATHY, PROXIMAL TYPE. Identifiers: Orphanet 90117, MedGen C1858338, MONDO:0011468, OMIM 604484.
Hereditary spastic paraplegia 57. Also called: Spastic paraplegia 57, autosomal recessive. Identifiers: Orphanet 431329, MedGen C3714897, MONDO:0014295, OMIM 615658.

Allele frequency attached by ClinVar (database versions not stated): TOPMed 0.00007; ESP Exome Variant Server 0.00008; ExAC 0.00004; gnomAD 0.00007.
gnomAD v4.1: 29 of 1,613,554 alleles (0.0018%); highest among the groups gnomAD compares: African/African-American, 0.025%; no homozygotes.

Submissions (2):

Labcorp Genetics (formerly Invitae), Labcorp
Classification: Likely benign for Hereditary motor and sensory neuropathy, Okinawa type; Hereditary spastic paraplegia 57. Last evaluated: 2025-10-23. Review status: criteria provided, single submitter. Criteria: Invitae Variant Classification Sherloc (09022015). Collection method: clinical testing. Allele origin: germline.

PreventionGenetics, part of Exact Sciences
Classification: Likely benign for TFG-related condition. Last evaluated: 2019-03-06. Review status: no assertion criteria provided. Collection method: clinical testing. Allele origin: germline. Not counted in ClinVar's aggregate classification.
Comment: This variant is classified as likely benign based on ACMG/AMP sequence variant interpretation guidelines (Richards et al. 2015 PMID: 25741868, with internal and published modifications).

NM_006070.6(TFG):c.581-6A>C

Gene: TFG (trafficking from ER to golgi regulator; plus strand). Cytogenetic location: 3q12.2.
Variant type: single nucleotide variant.
Coding change: c.581-6A>C on transcript NM_006070.6 (MANE Select); 6 bases into the intron before coding-DNA position 581, A replaced by C.
Molecular consequence: intron variant.
Genome position (GRCh38, 1-based): chr3:100,736,570, A>C. VCF-style: chr3-100736570-A-C. GRCh37 (hg19) VCF-style: chr3-100455414-A-C.
Other names: c.581-6A>C (NM_001007565.2, NM_001195479.2, NM_001195478.2).
Identifiers: ClinVar variation 706416 (VCV000706416.10), dbSNP rs369615915, ClinGen allele CA2517133.